The following is an entry in ClinVar:

NM_001242896.3(DEPDC5):c.4675C>T (p.Arg1559Cys)

Gene: DEPDC5 (DEP domain containing 5, GATOR1 subcomplex subunit; plus strand). Cytogenetic location: 22q12.3.
Variant type: single nucleotide variant.
Coding change: c.4675C>T on transcript NM_001242896.3 (MANE Select); coding-DNA position 4675, C replaced by T.
Protein change: p.Arg1559Cys; replaces arginine 1559 with cysteine.
Molecular consequence: missense variant. On other transcripts: non-coding transcript variant (5).
Genome position (GRCh38, 1-based): chr22:31,906,360, C>T. VCF-style: chr22-31906360-C-T. GRCh37 (hg19) VCF-style: chr22-32302346-C-T.
Other names: c.4648C>T, p.Arg1550Cys (NM_001136029.4); c.4375C>T, p.Arg1459Cys (NM_001242897.2); c.4609C>T, p.Arg1537Cys (NM_001363852.2, NM_001364320.2); c.4441C>T, p.Arg1481Cys (NM_001363854.2, NM_001364319.2); c.4675C>T, p.Arg1559Cys (NM_001364318.2); c.4591C>T, p.Arg1531Cys (NM_001369901.1, NM_001369902.1); c.4582C>T, p.Arg1528Cys (NM_001369903.1, NM_014662.6); short protein forms R1528C, R1459C, R1481C, R1537C, R1531C, R1550C, R1559C.
Identifiers: ClinVar variation 3009883 (VCV003009883.3), dbSNP rs1473122024, ClinGen allele CA411292763.
Genomic context (GRCh38, chr22:31,906,360, plus strand): 5'-TTCTGCGAGGAGCGGGTCGGCTACAACTGGGCCTACAACACCATGCTCACCAAAACATGG[C>T]GCTCCAGCGCCACAGGGGATGAAAAGTTTGCTGATCGGCTGCTGAAGGACTTCACGGACT-3'
Protein context (NP_001229825.1, residues 1549-1569): AYNTMLTKTW[Arg1559Cys]SSATGDEKFA

ClinVar aggregate classification (germline): Uncertain significance (1 of 4 stars; one submission).

Conditions:
Familial focal epilepsy with variable foci (FPEVF). Identifiers: Orphanet 98820, MedGen C1858477, MONDO:0020310.

gnomAD v4.1: 6 of 1,614,072 alleles (0.00037%); highest among the groups gnomAD compares: Non-Finnish European, 0.00042%; no homozygotes.

Submission:

Labcorp Genetics (formerly Invitae), Labcorp
Classification: Uncertain significance for Familial focal epilepsy with variable foci. Last evaluated: 2024-09-09. Review status: criteria provided, single submitter. Criteria: Invitae Variant Classification Sherloc (09022015). Collection method: clinical testing. Allele origin: germline.
Comment: This sequence change replaces arginine, which is basic and polar, with cysteine, which is neutral and slightly polar, at codon 1559 of the DEPDC5 protein (p.Arg1559Cys). This variant is not present in population databases (gnomAD no frequency). This variant has not been reported in the literature in individuals affected with DEPDC5-related conditions. Experimental studies and prediction algorithms are not available or were not evaluated, and the functional significance of this variant is currently unknown. In summary, the available evidence is currently insufficient to determine the role of this variant in disease. Therefore, it has been classified as a Variant of Uncertain Significance.